The following is an entry in ClinVar:

NM_002734.5(PRKAR1A):c.682del (p.Arg228fs)

Gene: PRKAR1A (protein kinase cAMP-dependent type I regulatory subunit alpha; plus strand). Cytogenetic location: 17q24.2.
Variant type: Deletion.
Coding change: c.682del on transcript NM_002734.5 (MANE Select); coding-DNA position 682, one base deleted (C; older notation c.682delC).
Protein change: p.Arg228fs; shifts the reading frame from arginine 228.
Molecular consequence: frameshift variant.
Genome position (GRCh38, 1-based): chr17:68,525,886, C deleted; the last of 2 consecutive C bases (chr17:68,525,885-68,525,886); deleting either gives the same sequence. VCF-style (leftmost placement, unchanged base first): chr17-68525884-AC-A. GRCh37 (hg19) VCF-style: chr17-66522025-AC-A.
Other names: c.682del, p.Arg228fs (NM_001276289.2, NM_001276290.1, NM_001278433.2 and 4 more transcripts); short protein forms R228fs.
Identifiers: ClinVar variation 3938091 (VCV003938091.1).
Genomic context (GRCh38, chr17:68,525,884, plus strand): 5'-ATGGAACACCGAGAGCAGCCACTGTCAAAGCAAAGACAAATGTGAAATTGTGGGGCATCG[AC>A]CGAGACAGCTATAGAAGAATCCTCATGGTAAGAGACCATGGTGTTTGAGAGTGTGATTTA-3'

ClinVar aggregate classification (germline): Pathogenic (1 of 4 stars; one submission).

Conditions:
Hereditary cancer-predisposing syndrome. Also called: Tumor predisposition; Hereditary neoplastic syndrome; Hereditary Cancer Syndrome; Neoplastic Syndromes, Hereditary. Identifiers: Orphanet 140162, MedGen C0027672, MeSH D009386, MONDO:0015356.

Submission:

Ambry Genetics
Classification: Pathogenic for Hereditary cancer-predisposing syndrome. Last evaluated: 2025-05-01. Review status: criteria provided, single submitter. Criteria: Ambry Variant Classification Scheme 2023. Collection method: clinical testing. Allele origin: germline.
Comment: The c.682delC pathogenic mutation, located in coding exon 6 of the PRKAR1A gene, results from a deletion of one nucleotide at nucleotide position 682, causing a translational frameshift with a predicted alternate stop codon (p.R228Efs*13). This variant was reported in individual(s) with features consistent with Carney complex (Ambry internal data). This variant is considered to be rare based on population cohorts in the Genome Aggregation Database (gnomAD). Loss-of-function variants subject to nonsense mediated decay (NMD) in PRKAR1A are known to cause Carney complex; however, such associations with acrodysostosis have not been reported (Michot. et al. Eur J Hum Genet 26, 1611&ndash;1622 (2018); Bertherat J et al. J Clin Endocrinol Metab. 2009 Jun;94(6):2085-91; Jafari N et al. Proc Natl Acad Sci U S A. 2021 May 25;118(21):e2024716118). This alteration is expected to result in loss of function by premature protein truncation or nonsense-mediated mRNA decay. Based on the supporting evidence, this alteration is pathogenic for Carney complex; however, the association of this alteration with acrodysostosis is unlikely.